The following is an entry in ClinVar:

ClinVar aggregate classification (germline): Uncertain significance (1 of 4 stars; one submission).

Allele frequency attached by ClinVar (database versions not stated): gnomAD exomes 0.00001.
gnomAD v4.1: 10 of 1,610,586 alleles (0.00062%); highest among the groups gnomAD compares: Non-Finnish European, 0.00085%; no homozygotes.

Submission:

Labcorp Genetics (formerly Invitae), Labcorp
Classification: Uncertain significance. Last evaluated: 2023-06-20. Review status: criteria provided, single submitter. Criteria: Invitae Variant Classification Sherloc (09022015). Collection method: clinical testing. Allele origin: germline.
Comment: In summary, the available evidence is currently insufficient to determine the role of this variant in disease. Therefore, it has been classified as a Variant of Uncertain Significance. Advanced modeling of protein sequence and biophysical properties (such as structural, functional, and spatial information, amino acid conservation, physicochemical variation, residue mobility, and thermodynamic stability) performed at Invitae indicates that this missense variant is expected to disrupt PCDH15 protein function. This variant has not been reported in the literature in individuals affected with PCDH15-related conditions. This variant is present in population databases (no rsID available, gnomAD 0.0009%). This sequence change replaces aspartic acid, which is acidic and polar, with glutamic acid, which is acidic and polar, at codon 642 of the PCDH15 protein (p.Asp642Glu).

NM_001384140.1(PCDH15):c.1926T>A (p.Asp642Glu)

Gene: PCDH15 (protocadherin related 15; minus strand). Cytogenetic location: 10q21.1.
Variant type: single nucleotide variant.
Coding change: c.1926T>A on transcript NM_001384140.1 (MANE Select); coding-DNA position 1926, T replaced by A.
Protein change: p.Asp642Glu; replaces aspartic acid 642 with glutamic acid.
Molecular consequence: missense variant. On other transcripts: intron variant (1).
Genome position (GRCh38, 1-based): chr10:54,090,055, A>T on the plus strand (T>A on the coding strand, the complement: PCDH15 is on the minus strand). VCF-style: chr10-54090055-A-T. GRCh37 (hg19) VCF-style: chr10-55849815-A-T.
Other names: c.1941T>A, p.Asp647Glu (NM_001142763.2, NM_001142771.2); c.1926T>A, p.Asp642Glu (NM_001142764.2, NM_001142766.2, NM_001142770.3 and 5 more transcripts); c.1815T>A, p.Asp605Glu (NM_001142767.2); c.1860T>A, p.Asp620Glu (NM_001142768.2, NM_001142773.2, NM_001354404.2); c.1962T>A, p.Asp654Glu (NM_001142769.4); c.1947T>A, p.Asp649Glu (NM_001354411.2); c.1785-10631T>A (NM_001142765.2); short protein forms D605E, D620E, D654E, D642E, D647E, D649E.
Identifiers: ClinVar variation 2869813 (VCV002869813.1), dbSNP rs1248837010, ClinGen allele CA376523157.
Genomic context (GRCh38, chr10:54,090,055, plus strand): 5'-ATTAAAAACTCTCTGAGGATCTCCATTCTCAATGGCATATGTTATTGAGTCTCCCTCTCG[A>T]TCAGTTGCCTTCAGAGAGAAAACATAATTCAATTATCAAGTAATTGATATGGCGCCCACT-3'
Protein context (NP_001371069.1, residues 632-652): GAVLLNLQAT[Asp642Glu]REGDSITYAI